The following is an entry in ClinVar:

NM_032776.3(JMJD1C):c.4156T>C (p.Ser1386Pro)

Gene: JMJD1C (jumonji domain containing 1C; minus strand). Cytogenetic location: 10q21.3.
Variant type: single nucleotide variant.
Coding change: c.4156T>C on transcript NM_032776.3 (MANE Select); coding-DNA position 4156, T replaced by C.
Protein change: p.Ser1386Pro; replaces serine 1386 with proline.
Molecular consequence: missense variant. On other transcripts: non-coding transcript variant (1).
Genome position (GRCh38, 1-based): chr10:63,207,513, A>G on the plus strand (T>C on the coding strand, the complement: JMJD1C is on the minus strand). VCF-style: chr10-63207513-A-G. GRCh37 (hg19) VCF-style: chr10-64967273-A-G.
Other names: c.3610T>C, p.Ser1204Pro (NM_001282948.2, NM_001318154.2); c.3292T>C, p.Ser1098Pro (NM_001318153.2); c.4042T>C, p.Ser1348Pro (NM_001322252.2); c.3499T>C, p.Ser1167Pro (NM_001322254.2, NM_001322258.2); short protein forms S1204P, S1167P, S1386P, S1098P, S1348P.
Identifiers: ClinVar variation 934878 (VCV000934878.9), dbSNP rs1846781102, ClinGen allele CA377038380.

ClinVar aggregate classification (germline): Uncertain significance (1 of 4 stars; one submission).

Conditions:
Early Myoclonic Encephalopathy. Identifiers: MedGen C0270855.

Submission:

Labcorp Genetics (formerly Invitae), Labcorp
Classification: Uncertain significance for Early Myoclonic Encephalopathy. Last evaluated: 2019-07-31. Review status: criteria provided, single submitter. Criteria: Invitae Variant Classification Sherloc (09022015). Collection method: clinical testing. Allele origin: germline.
Comment: In summary, the available evidence is currently insufficient to determine the role of this variant in disease. Therefore, it has been classified as a Variant of Uncertain Significance. Algorithms developed to predict the effect of missense changes on protein structure and function (SIFT, PolyPhen-2, Align-GVGD) all suggest that this variant is likely to be tolerated, but these predictions have not been confirmed by published functional studies and their clinical significance is uncertain. This variant has not been reported in the literature in individuals with JMJD1C-related conditions. This variant is not present in population databases (ExAC no frequency). This sequence change replaces serine with proline at codon 1386 of the JMJD1C protein (p.Ser1386Pro). The serine residue is moderately conserved and there is a moderate physicochemical difference between serine and proline.